The following is an entry in ClinVar:

NM_001122659.3(EDNRB):c.1090C>G (p.Leu364Val)

Genes: EDNRB (endothelin receptor type B; minus strand), EDNRB-AS1 (EDNRB antisense RNA 1; plus strand). Cytogenetic location: 13q22.3.
Variant type: single nucleotide variant.
Coding change: c.1090C>G on transcript NM_001122659.3 (MANE Select); coding-DNA position 1090, C replaced by G.
Protein change: p.Leu364Val; replaces leucine 364 with valine.
Molecular consequence: missense variant.
Genome position (GRCh38, 1-based): chr13:77,899,963, G>C on the plus strand (C>G on the coding strand, the complement: EDNRB is on the minus strand). VCF-style: chr13-77899963-G-C. GRCh37 (hg19) VCF-style: chr13-78474098-G-C.
Other names: c.1090C>G (NM_000115.3, NM_000115.4); c.1090C>G, p.Leu364Val (NM_000115.5, NM_003991.4); c.1360C>G, p.Leu454Val (NM_001201397.2); short protein forms L364V, L454V.
Identifiers: ClinVar variation 2081642 (VCV002081642.7), dbSNP rs180686892, ClinGen allele CA7012180.

ClinVar aggregate classification (germline): Uncertain significance. Review status: criteria provided, multiple submitters, no conflicts (2 of 4 stars). 3 submissions from 3 submitters: Uncertain significance (3). Last evaluated 2025-09-03.

Conditions:
EDNRB-related disorder. Also called: EDNRB-related condition; EDNRB-related disorders.

Allele frequency attached by ClinVar (database versions not stated): gnomAD 0.00002; gnomAD exomes 0.00005; TOPMed 0.00005; ExAC 0.00008; 1000 Genomes Project 30x 0.00016; 1000 Genomes Project 0.00020.
gnomAD v4.1: 34 of 1,611,208 alleles (0.0021%); highest among the groups gnomAD compares: Admixed American, 0.055%; no homozygotes.

Submissions (3):

PreventionGenetics, part of Exact Sciences
Classification: Uncertain significance for EDNRB-related condition. Last evaluated: 2025-09-03. Review status: criteria provided, single submitter. Criteria: ACMG Guidelines, 2015. Collection method: clinical testing. Allele origin: germline.
Comment: The EDNRB c.1090C>G variant is predicted to result in the amino acid substitution p.Leu364Val. To our knowledge, this variant has not been reported in the literature. This variant is reported in 0.080% of alleles in individuals of Latino descent in gnomAD. Although we suspect that this variant may be benign, at this time, the clinical significance of this variant is uncertain due to the absence of conclusive functional and genetic evidence.

GeneDx
Classification: Uncertain significance. Last evaluated: 2025-05-20. Review status: criteria provided, single submitter. Criteria: GeneDx Variant Classification Process June 2021. Collection method: clinical testing. Allele origin: germline. Affected: yes.
Comment: In silico analysis suggests that this missense variant does not alter protein structure/function; Has not been previously published as pathogenic or benign to our knowledge

Labcorp Genetics (formerly Invitae), Labcorp
Classification: Uncertain significance. Last evaluated: 2024-05-18. Review status: criteria provided, single submitter. Criteria: Invitae Variant Classification Sherloc (09022015). Collection method: clinical testing. Allele origin: germline.
Comment: This sequence change replaces leucine, which is neutral and non-polar, with valine, which is neutral and non-polar, at codon 364 of the EDNRB protein (p.Leu364Val). This variant is present in population databases (rs180686892, gnomAD 0.08%). This variant has not been reported in the literature in individuals affected with EDNRB-related conditions. ClinVar contains an entry for this variant (Variation ID: 2081642). Advanced modeling of protein sequence and biophysical properties (such as structural, functional, and spatial information, amino acid conservation, physicochemical variation, residue mobility, and thermodynamic stability) performed at Invitae indicates that this missense variant is not expected to disrupt EDNRB protein function with a negative predictive value of 80%. In summary, the available evidence is currently insufficient to determine the role of this variant in disease. Therefore, it has been classified as a Variant of Uncertain Significance.